The following is an entry in ClinVar:

ClinVar aggregate classification (germline): Benign (1 of 4 stars; one submission).

Conditions:
Lethal polymalformative syndrome, Boissel type. Also called: GROWTH RETARDATION, DEVELOPMENTAL DELAY, AND FACIAL DYSMORPHISM. Identifiers: Orphanet 210144, MedGen C2752001, MONDO:0013050, OMIM 612938.

Allele frequency attached by ClinVar (database versions not stated): gnomAD 0.01592 and 0.01708; TOPMed 0.01735; 1000 Genomes Project 0.01917; 1000 Genomes Project 30x 0.01983.

Submission:

Illumina Laboratory Services, Illumina
Classification: Benign for Lethal polymalformative syndrome, Boissel type. Last evaluated: 2018-01-12. Review status: criteria provided, single submitter. Criteria: ICSL Variant Classification Criteria 13 December 2019. Collection method: clinical testing. Allele origin: germline.
Comment: This variant was observed in the ICSL laboratory as part of a predisposition screen in an ostensibly healthy population. It had not been previously curated by ICSL or reported in the Human Gene Mutation Database (HGMD: prior to June 1st, 2018), and was therefore a candidate for classification through an automated scoring system. Utilizing variant allele frequency, disease prevalence and penetrance estimates, and inheritance mode, an automated score was calculated to assess if this variant is too frequent to cause the disease. Based on the score and internal cut-off values, a variant classified as benign is not then subjected to further curation. The score for this variant resulted in a classification of benign for this disease.

NM_001080432.3(FTO):c.*1315C>T

Gene: FTO (FTO alpha-ketoglutarate dependent dioxygenase; plus strand). Cytogenetic location: 16q12.2.
Variant type: single nucleotide variant.
Coding change: c.*1315C>T on transcript NM_001080432.3 (MANE Select); 1315 bases downstream of the stop codon, C replaced by T.
Molecular consequence: 3 prime UTR variant.
Genome position (GRCh38, 1-based): chr16:54,113,230, C>T. VCF-style: chr16-54113230-C-T. GRCh37 (hg19) VCF-style: chr16-54147142-C-T.
Other names: c.*1315C>T (NM_001363891.2, NM_001363894.2, NM_001363896.2 and 6 more transcripts); c.*1433C>T (NM_001363903.2); c.*1491C>T (NM_001363988.2).
Identifiers: ClinVar variation 319708 (VCV000319708.5), dbSNP rs76606072, ClinGen allele CA10637991.